The following is an entry in ClinVar:

NM_004333.6(BRAF):c.2134G>T (p.Ala712Ser)

Gene: BRAF (B-Raf proto-oncogene, serine/threonine kinase; minus strand). Cytogenetic location: 7q34.
Variant type: single nucleotide variant.
Coding change: c.2134G>T on transcript NM_004333.6 (MANE Select); coding-DNA position 2134, G replaced by T.
Protein change: p.Ala712Ser; replaces alanine 712 with serine.
Molecular consequence: missense variant. On other transcripts: intron variant (2).
Genome position (GRCh38, 1-based): chr7:140,734,764, C>A on the plus strand (G>T on the coding strand, the complement: BRAF is on the minus strand). VCF-style: chr7-140734764-C-A. GRCh37 (hg19) VCF-style: chr7-140434564-C-A.
Other names: c.2134G>T, p.Ala712Ser (NM_001354609.2); c.2254G>T, p.Ala752Ser (NM_001374244.1, NM_001374258.1); c.2143G>T, p.Ala715Ser (NM_001378467.1); c.2068G>T, p.Ala690Ser (NM_001378469.1); c.2032G>T, p.Ala678Ser (NM_001378470.1); c.2023G>T, p.Ala675Ser (NM_001378471.1); c.1978G>T, p.Ala660Ser (NM_001378472.1, NM_001378473.1); c.1870G>T, p.Ala624Ser (NM_001378475.1); and 1 more; short protein forms A690S, A752S, A712S, A660S, A675S, A715S, A624S, A678S.
Identifiers: ClinVar variation 2199937 (VCV002199937.4), dbSNP rs1481562268, ClinGen allele CA369537389.

ClinVar aggregate classification (germline): Uncertain significance (1 of 4 stars; one submission).

Conditions:
RASopathy. Also called: Noonan spectrum disorder; rasopathies. Identifiers: Orphanet 536391, MedGen C5555857, MONDO:0021060.

Submission:

Labcorp Genetics (formerly Invitae), Labcorp
Classification: Uncertain significance for RASopathy. Last evaluated: 2024-09-23. Review status: criteria provided, single submitter. Criteria: Invitae Variant Classification Sherloc (09022015). Collection method: clinical testing. Allele origin: germline.
Comment: This sequence change replaces alanine, which is neutral and non-polar, with serine, which is neutral and polar, at codon 712 of the BRAF protein (p.Ala712Ser). The frequency data for this variant in the population databases is considered unreliable, as metrics indicate poor data quality at this position in the gnomAD database. This variant has not been reported in the literature in individuals affected with BRAF-related conditions. ClinVar contains an entry for this variant (Variation ID: 2199937). Invitae Evidence Modeling of protein sequence and biophysical properties (such as structural, functional, and spatial information, amino acid conservation, physicochemical variation, residue mobility, and thermodynamic stability) indicates that this missense variant is not expected to disrupt BRAF protein function with a negative predictive value of 80%. In summary, the available evidence is currently insufficient to determine the role of this variant in disease. Therefore, it has been classified as a Variant of Uncertain Significance.